The following is an entry in ClinVar:

ClinVar aggregate classification (germline): Conflicting classifications of pathogenicity. Review status: criteria provided, conflicting classifications (1 of 4 stars). 7 submissions from 7 submitters: Pathogenic (1); Likely pathogenic (1); Uncertain significance (4). 1 of the submissions does not count toward it. Last evaluated 2026-06-01.

Conditions:
Autosomal recessive limb-girdle muscular dystrophy type 2I. Also called: MUSCULAR DYSTROPHY-DYSTROGLYCANOPATHY, LIMB-GIRDLE, FRKP-RELATED; MUSCULAR DYSTROPHY, LIMB-GIRDLE, TYPE 2I; MUSCULAR DYSTROPHY-DYSTROGLYCANOPATHY (LIMB-GIRDLE), TYPE C, 5. Identifiers: Orphanet 34515, MedGen C1846672, MONDO:0011787, OMIM 607155.
Walker-Warburg congenital muscular dystrophy. Also called: Muscular dystrophy-dystroglycanopathy, type A; Walker-Warburg syndrome. Identifiers: Orphanet 899, MedGen C0265221, MONDO:0000171.
Autosomal recessive limb-girdle muscular dystrophy. Identifiers: Orphanet 102015, MedGen C2931907, MONDO:0015152.

Allele frequency attached by ClinVar (database versions not stated): gnomAD exomes below 0.00001.
gnomAD v4.1: 2 of 1,604,068 alleles (0.00012%); highest among the groups gnomAD compares: Admixed American, 0.0017%; no homozygotes.

Submissions (7):

Women's Health and Genetics/Laboratory Corporation of America, LabCorp
Classification: Likely pathogenic for Autosomal recessive limb-girdle muscular dystrophy. Last evaluated: 2026-06-01. Review status: criteria provided, single submitter. Criteria: LabCorp Variant Classification Summary - May 2015. Collection method: clinical testing. Allele origin: germline.
Comment: Variant summary: FKRP c.169G>A (p.Glu57Lys) results in a conservative amino acid change in the encoded protein sequence. Algorithms developed to predict the effect of missense changes on protein structure and function are either unavailable or do not agree on the potential impact of this missense change. The variant allele was found at a frequency of 8.6e-06 in 231428 control chromosomes (gnomAD). c.169G>A has been reported in the presumed compound heterozygous state in the literature in at least 2 individuals affected with Limb-Girdle Muscular Dystrophy, Autosomal Recessive (example, Awano_2021, Nallamilli_2018). These data indicate that the variant may be associated with disease. At least one publication reports experimental evidence evaluating an impact on protein function in vitro. The most pronounced variant effect results in 10%-<30% of normal activity (example, Ma_2024). The following publications have been ascertained in the context of this evaluation (PMID: 34509255, 39326416, 30564623). ClinVar contains an entry for this variant (Variation ID: 283305). Based on the evidence outlined above, the variant was classified as likely pathogenic.

Revvity Omics, Revvity
Classification: Uncertain significance. Last evaluated: 2023-09-25. Review status: criteria provided, single submitter. Criteria: ACMG Guidelines, 2015. Collection method: clinical testing. Allele origin: germline.

Labcorp Genetics (formerly Invitae), Labcorp
Classification: Pathogenic for Walker-Warburg congenital muscular dystrophy. Last evaluated: 2023-09-17. Review status: criteria provided, single submitter. Criteria: Invitae Variant Classification Sherloc (09022015). Collection method: clinical testing. Allele origin: germline.
Comment: For these reasons, this variant has been classified as Pathogenic. Advanced modeling of protein sequence and biophysical properties (such as structural, functional, and spatial information, amino acid conservation, physicochemical variation, residue mobility, and thermodynamic stability) performed at Invitae indicates that this missense variant is expected to disrupt FKRP protein function. ClinVar contains an entry for this variant (Variation ID: 283305). This missense change has been observed in individual(s) with limb-girdle muscular dystrophy (PMID: 30564623, 32351701, 34509255). In at least one individual the data is consistent with being in trans (on the opposite chromosome) from a pathogenic variant. The frequency data for this variant in the population databases is considered unreliable, as metrics indicate poor data quality at this position in the gnomAD database. This sequence change replaces glutamic acid, which is acidic and polar, with lysine, which is basic and polar, at codon 57 of the FKRP protein (p.Glu57Lys).

MGZ Medical Genetics Center
Classification: Uncertain significance for Autosomal recessive limb-girdle muscular dystrophy type 2I. Last evaluated: 2022-08-02. Review status: criteria provided, single submitter. Criteria: ACMG Guidelines, 2015. Collection method: clinical testing. Allele origin: germline. Affected: yes. Observed: 1 variant allele.
Comment: ACMG criteria applied: PM3, PM2_SUP, PP3

Stanford Center for Inherited Cardiovascular Disease, Stanford University
Classification: Uncertain significance. Last evaluated: 2017-09-05. Review status: criteria provided, single submitter. Criteria: ACMG Guidelines, 2015. Collection method: provider interpretation. Allele origin: germline.

Eurofins Ntd Llc (ga)
Classification: Uncertain significance. Last evaluated: 2016-10-04. Review status: criteria provided, single submitter. Criteria: EGL Classification Definitions 2015. Collection method: clinical testing. Allele origin: germline. Observed: 2 variant alleles, 1 heterozygote, 1 homozygote.

Natera, Inc.
Classification: Uncertain significance for Limb-girdle muscular dystrophy type 2I. Last evaluated: 2020-09-16. Review status: no assertion criteria provided. Collection method: clinical testing. Allele origin: germline. Not counted in ClinVar's aggregate classification.

Literature cited by the submitters: PubMed 30564623 (cited by Women's Health and Genetics/Laboratory Corporation of America, LabCorp and Labcorp Genetics (formerly Invitae), Labcorp); PubMed 34509255 (cited by Women's Health and Genetics/Laboratory Corporation of America, LabCorp and Labcorp Genetics (formerly Invitae), Labcorp); PubMed 39326416 (cited by Women's Health and Genetics/Laboratory Corporation of America, LabCorp); PubMed 32351701 (cited by Labcorp Genetics (formerly Invitae), Labcorp).

NM_024301.5(FKRP):c.169G>A (p.Glu57Lys)

Gene: FKRP (fukutin related protein; plus strand). Cytogenetic location: 19q13.32.
Variant type: single nucleotide variant.
Coding change: c.169G>A on transcript NM_024301.5 (MANE Select); coding-DNA position 169, G replaced by A.
Protein change: p.Glu57Lys; replaces glutamic acid 57 with lysine.
Molecular consequence: missense variant.
Genome position (GRCh38, 1-based): chr19:46,755,619, G>A. VCF-style: chr19-46755619-G-A. GRCh37 (hg19) VCF-style: chr19-47258876-G-A.
Other names: c.169G>A, p.Glu57Lys (NM_001039885.3); short protein forms E57K.
Identifiers: ClinVar variation 283305 (VCV000283305.18), dbSNP rs773024545, ClinGen allele CA9532119.
Genomic context (GRCh38, chr19:46,755,619, plus strand): 5'-CGGGGGCCCCGTCGTGCCTCTGCTGCCGGCCCCCGTGTCACCGTCCTGGTGCGGGAGTTC[G>A]AGGCATTTGACAACGCGGTGCCCGAGCTGGTAGACTCCTTCCTGCAGCAAGACCCAGCCC-3'
Protein context (NP_077277.1, residues 47-67): PRVTVLVREF[Glu57Lys]AFDNAVPELV